The following is an entry in ClinVar:

NM_002180.3(IGHMBP2):c.2348G>A (p.Ser783Asn)

Gene: IGHMBP2 (immunoglobulin mu DNA binding protein 2; plus strand). Cytogenetic location: 11q13.3.
Variant type: single nucleotide variant.
Coding change: c.2348G>A on transcript NM_002180.3 (MANE Select); coding-DNA position 2348, G replaced by A.
Protein change: p.Ser783Asn; replaces serine 783 with asparagine.
Molecular consequence: missense variant.
Genome position (GRCh38, 1-based): chr11:68,936,828, G>A. VCF-style: chr11-68936828-G-A. GRCh37 (hg19) VCF-style: chr11-68704296-G-A.
Other names: short protein forms S783N.
Identifiers: ClinVar variation 1789947 (VCV001789947.2), dbSNP rs2154008893, ClinGen allele CA381653356.
Genomic context (GRCh38, chr11:68,936,828, plus strand): 5'-AGGAGCACGGGCTGAGGCACGACAGTTCCGGGGAAGGGAAGAGGAGGTTCATCACTGTGA[G>A]CAAGAGGGCCCCGCGACCCCGAGCAGCCCTGGGACCCCCAGCAGGGACCGGTGGCCCAGC-3'
Protein context (NP_002171.2, residues 773-793): GEGKRRFITV[Ser783Asn]KRAPRPRAAL

ClinVar aggregate classification (germline): Uncertain significance (1 of 4 stars; one submission).

Conditions:
Inborn genetic diseases. Identifiers: MedGen C0950123, MeSH D030342.

Allele frequency attached by ClinVar (database versions not stated): gnomAD 0.00001.
gnomAD v4.1: 1 of 1,613,754 alleles (0.000062%); highest among the groups gnomAD compares: Non-Finnish European, 0.000085%; no homozygotes.

Submission:

Ambry Genetics
Classification: Uncertain significance for Inborn genetic diseases. Last evaluated: 2021-08-24. Review status: criteria provided, single submitter. Criteria: Ambry Variant Classification Scheme 2023. Collection method: clinical testing. Allele origin: germline.
Comment: The p.S783N variant (also known as c.2348G>A), located in coding exon 13 of the IGHMBP2 gene, results from a G to A substitution at nucleotide position 2348. The serine at codon 783 is replaced by asparagine, an amino acid with highly similar properties. This amino acid position is conserved. In addition, this alteration is predicted to be tolerated by in silico analysis. Since supporting evidence is limited at this time, the clinical significance of this alteration remains unclear.